The following is an entry in ClinVar:

NM_152594.3(SPRED1):c.7G>C (p.Glu3Gln)

Gene: SPRED1 (sprouty related EVH1 domain containing 1; plus strand). Cytogenetic location: 15q14.
Variant type: single nucleotide variant.
Coding change: c.7G>C on transcript NM_152594.3 (MANE Select); coding-DNA position 7, G replaced by C.
Protein change: p.Glu3Gln; replaces glutamic acid 3 with glutamine.
Molecular consequence: missense variant.
Genome position (GRCh38, 1-based): chr15:38,253,192, G>C. VCF-style: chr15-38253192-G-C. GRCh37 (hg19) VCF-style: chr15-38545393-G-C.
Other names: short protein forms E3Q.
Identifiers: ClinVar variation 4827632 (VCV004827632.1).

ClinVar aggregate classification (germline): Uncertain significance (1 of 4 stars; one submission).

Conditions:
Cardiovascular phenotype. Identifiers: MedGen CN230736.

Submission:

Ambry Genetics
Classification: Uncertain significance for Cardiovascular phenotype. Last evaluated: 2026-03-01. Review status: criteria provided, single submitter. Criteria: Ambry Variant Classification Scheme 2023. Collection method: clinical testing. Allele origin: germline.
Comment: The p.E3Q variant (also known as c.7G>C), located in coding exon 1 of the SPRED1 gene, results from a G to C substitution at nucleotide position 7. The glutamic acid at codon 3 is replaced by glutamine, an amino acid with highly similar properties. This amino acid position is conserved. In addition, this alteration is predicted to be tolerated by in silico analysis. Based on the available evidence, the clinical significance of this variant remains unclear.